The following is an entry in ClinVar:

ClinVar aggregate classification (germline): Pathogenic (1 of 4 stars; one submission).

Conditions:
Hereditary breast ovarian cancer syndrome. Also called: Hereditary breast and ovarian cancer syndrome; Hereditary breast and/or ovarian cancer syndrome; Hereditary breast and ovarian cancer; Hereditary breast and ovarian cancer syndrome (HBOC); BRCA1- and BRCA2-Associated Hereditary Breast and Ovarian Cancer; Breast and ovarian cancer. Identifiers: Orphanet 145, MedGen C0677776, MeSH D061325, MONDO:0003582. Disease mechanism: loss of function.

Submission:

Women's Health and Genetics/Laboratory Corporation of America, LabCorp
Classification: Pathogenic for Hereditary breast ovarian cancer syndrome. Last evaluated: 2025-03-31. Review status: criteria provided, single submitter. Criteria: LabCorp Variant Classification Summary - May 2015. Collection method: clinical testing. Allele origin: germline.
Comment: Variant summary: CHEK2 c.106delC (p.Gln36ArgfsX25) results in a premature termination codon, predicted to cause a truncation of the encoded protein or absence of the protein due to nonsense mediated decay, which are commonly known mechanisms for disease. The variant was absent in 250608 control chromosomes. c.106delC has been reported in the literature as found in an individual from a study cohort of CHEK2 germline mutation carriers (Borde_2020). To our knowledge, no experimental evidence demonstrating an impact on protein function has been reported. The following publication has been ascertained in the context of this evaluation (PMID: 33372680). No submitters have cited clinical-significance assessments for this variant to ClinVar. Based on the evidence outlined above, the variant was classified as pathogenic.

Literature cited by the submitters: PubMed 33372680.

NM_007194.4(CHEK2):c.106del (p.Gln36fs)

Gene: CHEK2 (checkpoint kinase 2; minus strand). Cytogenetic location: 22q12.1.
Variant type: Deletion.
Coding change: c.106del on transcript NM_007194.4 (MANE Select); coding-DNA position 106, one base deleted (C; older notation c.106delC).
Protein change: p.Gln36fs; shifts the reading frame from glutamine 36.
Molecular consequence: frameshift variant.
Genome position (GRCh38, 1-based): chr22:28,734,616, G deleted on the plus strand (C on the coding strand, the reverse complement: CHEK2 is on the minus strand); the first of 3 consecutive G bases (chr22:28,734,616-28,734,618); deleting any one gives the same sequence. VCF-style (leftmost placement, unchanged base first): chr22-28734615-TG-T. GRCh37 (hg19) VCF-style: chr22-29130603-TG-T.
Other names: c.106delC (NM_007194.4); c.104delC, p.Gln36Argfs (NM_001005735.3, NM_001349956.3, NM_145862.3); c.-674delC (NM_001257387.3); short protein forms Q36fs.
Identifiers: ClinVar variation 3895907 (VCV003895907.1).